The following is an entry in ClinVar:

ClinVar aggregate classification (germline): Uncertain significance (1 of 4 stars; one submission).

Submission:

Labcorp Genetics (formerly Invitae), Labcorp
Classification: Uncertain significance. Last evaluated: 2024-11-05. Review status: criteria provided, single submitter. Criteria: Invitae Variant Classification Sherloc (09022015). Collection method: clinical testing. Allele origin: germline.
Comment: This sequence change replaces glutamic acid, which is acidic and polar, with glycine, which is neutral and non-polar, at codon 250 of the SUCLG2 protein (p.Glu250Gly). This variant is not present in population databases (gnomAD no frequency). This variant has not been reported in the literature in individuals affected with SUCLG2-related conditions. ClinVar contains an entry for this variant (Variation ID: 3004383). An algorithm developed to predict the effect of missense changes on protein structure and function (PolyPhen-2) suggests that this variant is likely to be tolerated. In summary, the available evidence is currently insufficient to determine the role of this variant in disease. Therefore, it has been classified as a Variant of Uncertain Significance.

NM_003848.4(SUCLG2):c.749A>G (p.Glu250Gly)

Gene: SUCLG2 (succinate-CoA ligase GDP-forming subunit beta; minus strand). Cytogenetic location: 3p14.1.
Variant type: single nucleotide variant.
Coding change: c.749A>G on transcript NM_003848.4 (MANE Select); coding-DNA position 749, A replaced by G.
Protein change: p.Glu250Gly; replaces glutamic acid 250 with glycine.
Molecular consequence: missense variant.
Genome position (GRCh38, 1-based): chr3:67,508,815, T>C on the plus strand (A>G on the coding strand, the complement: SUCLG2 is on the minus strand). VCF-style: chr3-67508815-T-C. GRCh37 (hg19) VCF-style: chr3-67559239-T-C.
Other names: c.749A>G, p.Glu250Gly (NM_001177599.2); short protein forms E250G.
Identifiers: ClinVar variation 3004383 (VCV003004383.3), dbSNP rs754024917, ClinGen allele CA353553874.
Genomic context (GRCh38, chr3:67,508,815, plus strand): 5'-ATAAATAATTATAATACATTCATTTGTTTTCTCAATTCTTTTTTTTTTTTACCTTGTCCT[T>C]CTGGAGTTTCACCAAAGGGATTCACTTCCACCTGAGTAGCATCAATTTTCAGGAAGAGAT-3'
Protein context (NP_003839.2, residues 240-260): VEVNPFGETP[Glu250Gly]GQVVCFDAKI